The following is an entry in ClinVar:

ClinVar aggregate classification (germline): Uncertain significance (1 of 4 stars; one submission).

Conditions:
Autosomal recessive limb-girdle muscular dystrophy type R18 (LGMDR18). Also called: MUSCULAR DYSTROPHY, LIMB-GIRDLE, AUTOSOMAL RECESSIVE 18; Autosomal recessive limb-girdle muscular dystrophy type 2S; Limb-girdle muscular dystrophy, type 2S. Identifiers: Orphanet 369840, MedGen C4517996, MONDO:0014144, OMIM 615356.

Allele frequency attached by ClinVar (database versions not stated): gnomAD exomes 0.00001.
gnomAD v4.1: 12 of 1,613,986 alleles (0.00074%); highest among the groups gnomAD compares: Admixed American, 0.017%; no homozygotes.

Submission:

Labcorp Genetics (formerly Invitae), Labcorp
Classification: Uncertain significance for Autosomal recessive limb-girdle muscular dystrophy type R18. Last evaluated: 2024-03-09. Review status: criteria provided, single submitter. Criteria: Invitae Variant Classification Sherloc (09022015). Collection method: clinical testing. Allele origin: germline.
Comment: This sequence change replaces histidine, which is basic and polar, with arginine, which is basic and polar, at codon 1035 of the TRAPPC11 protein (p.His1035Arg). This variant is present in population databases (no rsID available, gnomAD 0.006%). This variant has not been reported in the literature in individuals affected with TRAPPC11-related conditions. ClinVar contains an entry for this variant (Variation ID: 846381). Advanced modeling of protein sequence and biophysical properties (such as structural, functional, and spatial information, amino acid conservation, physicochemical variation, residue mobility, and thermodynamic stability) performed at Invitae indicates that this missense variant is not expected to disrupt TRAPPC11 protein function with a negative predictive value of 80%. In summary, the available evidence is currently insufficient to determine the role of this variant in disease. Therefore, it has been classified as a Variant of Uncertain Significance.

NM_021942.6(TRAPPC11):c.3104A>G (p.His1035Arg)

Gene: TRAPPC11 (trafficking protein particle complex subunit 11; plus strand). Cytogenetic location: 4q35.1.
Variant type: single nucleotide variant.
Coding change: c.3104A>G on transcript NM_021942.6 (MANE Select); coding-DNA position 3104, A replaced by G.
Protein change: p.His1035Arg; replaces histidine 1035 with arginine.
Molecular consequence: missense variant.
Genome position (GRCh38, 1-based): chr4:183,706,855, A>G. VCF-style: chr4-183706855-A-G. GRCh37 (hg19) VCF-style: chr4-184628008-A-G.
Other names: c.3104A>G, p.His1035Arg (NM_199053.3); short protein forms H1035R.
Identifiers: ClinVar variation 846381 (VCV000846381.7), dbSNP rs762555782, ClinGen allele CA358874675.